The following is an entry in ClinVar:

ClinVar aggregate classification (germline): Pathogenic. Review status: criteria provided, multiple submitters, no conflicts (2 of 4 stars). 5 submissions from 5 submitters: Pathogenic (4). 1 of the submissions does not count toward it. Last evaluated 2024-10-23.

Conditions:
Tuberous sclerosis 2 (TSC2). Identifiers: Orphanet 805, MedGen C1860707, MONDO:0013199, OMIM 613254.
Tuberous sclerosis syndrome (TSC). Also called: Tuberous Sclerosis Complex; Tuberous sclerosis. Identifiers: Orphanet 805, MedGen C0041341, MONDO:0001734.

Submissions (5):

Labcorp Genetics (formerly Invitae), Labcorp
Classification: Pathogenic for Tuberous sclerosis 2. Last evaluated: 2024-10-23. Review status: criteria provided, single submitter. Criteria: Invitae Variant Classification Sherloc (09022015). Collection method: clinical testing. Allele origin: germline.
Comment: This sequence change creates a premature translational stop signal (p.Gln1665*) in the TSC2 gene. It is expected to result in an absent or disrupted protein product. Loss-of-function variants in TSC2 are known to be pathogenic (PMID: 10205261, 17304050). This variant is not present in population databases (gnomAD no frequency). This premature translational stop signal has been observed in individual(s) with tuberous sclerosis (PMID: 9302281, 28087349). This variant is also known as 5011C>T. ClinVar contains an entry for this variant (Variation ID: 49340). For these reasons, this variant has been classified as Pathogenic.

GeneDx
Classification: Pathogenic. Last evaluated: 2023-07-19. Review status: criteria provided, single submitter. Criteria: GeneDx Variant Classification Process June 2021. Collection method: clinical testing. Allele origin: germline. Affected: yes.
Comment: Nonsense variant predicted to result in protein truncation or nonsense mediated decay in a gene for which loss-of-function is a known mechanism of disease; Not observed at significant frequency in large population cohorts (gnomAD); This variant is associated with the following publications: (PMID: 17304050, 32555378, 28087349, 29432982, 10205261, 19254590, 26408672, 25525159, 11179769, 36232477, 9302281)

Division of Genomic Medicine, Department of Advanced Medicine, Medical Research Institute, Kanazawa Medical University
Classification: Pathogenic for Tuberous sclerosis 2. Last evaluated: 2022-07-19. Review status: criteria provided, single submitter. Criteria: ACMG Guidelines, 2015. Collection method: clinical testing. Allele origin: germline. Affected: yes. Observed: 1 variant allele.

Genome-Nilou Lab
Classification: Pathogenic for Tuberous sclerosis 2. Last evaluated: 2021-11-07. Review status: criteria provided, single submitter. Criteria: ACMG Guidelines, 2015. Collection method: clinical testing. Allele origin: germline. Affected: no.

Tuberous sclerosis database (TSC2)
No classification provided. Condition: TSC. Review status: no classification provided. Criteria: Tuberous Sclerosis Database Assertion Criteria 2015. Collection method: curation. Allele origin: germline. Affected: yes. Not counted in ClinVar's aggregate classification.

Literature cited by the submitters: PubMed 10205261 (cited by Labcorp Genetics (formerly Invitae), Labcorp); PubMed 17304050 (cited by Labcorp Genetics (formerly Invitae), Labcorp); PubMed 9302281 (cited by Labcorp Genetics (formerly Invitae), Labcorp); PubMed 28087349 (cited by Labcorp Genetics (formerly Invitae), Labcorp).

NM_000548.5(TSC2):c.4993C>T (p.Gln1665Ter)

Gene: TSC2 (TSC complex subunit 2; plus strand). Cytogenetic location: 16p13.3.
Variant type: single nucleotide variant.
Coding change: c.4993C>T on transcript NM_000548.5 (MANE Select); coding-DNA position 4993, C replaced by T.
Protein change: p.Gln1665Ter; replaces glutamine 1665 with a stop codon.
Molecular consequence: nonsense.
Genome position (GRCh38, 1-based): chr16:2,087,866, C>T. VCF-style: chr16-2087866-C-T. GRCh37 (hg19) VCF-style: chr16-2137867-C-T.
Other names: c.4792C>T, p.Gln1598Ter (NM_001077183.3); c.4924C>T, p.Gln1642Ter (NM_001114382.3); c.4684C>T, p.Gln1562Ter (NM_001318827.2); c.4648C>T, p.Gln1550Ter (NM_001318829.2); c.4261C>T, p.Gln1421Ter (NM_001318831.2); c.4825C>T, p.Gln1609Ter (NM_001318832.2); c.4795C>T, p.Gln1599Ter (NM_001363528.2); c.4861C>T, p.Gln1621Ter (NM_001370404.1); and 1 more; short protein forms Q1665*, Q1421*, Q1550*, Q1562*, Q1598*, Q1622*, Q1599*, Q1609*.
Identifiers: ClinVar variation 49340 (VCV000049340.15), dbSNP rs45448101, ClinGen allele CA021488.
Genomic context (GRCh38, chr16:2,087,866, plus strand): 5'-AGATCAGCCTTCAGCACACGCTGTGTGCGGGGATGACCCTTTCTCTTGTCCGGGCAGGGC[C>T]AGTTCAACTTTGTCCACGTGATCGTCACCCCGCTGGACTACGAGTGCAACCTGGTGTCCC-3'